The following is an entry in ClinVar:

ClinVar aggregate classification (germline): Uncertain significance (1 of 4 stars; one submission).

Conditions:
Spermatogenic failure 18. Identifiers: MedGen C4539783, MONDO:0054615, OMIM 617576.
Ciliary dyskinesia, primary, 37 (CILD37). Also called: CILIARY DYSKINESIA, PRIMARY, 37, WITH OR WITHOUT SITUS INVERSUS. Identifiers: MedGen C4539798, MONDO:0033204, OMIM 617577.

gnomAD v4.1: 3 of 1,570,842 alleles (0.00019%); highest among the groups gnomAD compares: Non-Finnish European, 0.00026%; no homozygotes.

Submission:

Labcorp Genetics (formerly Invitae), Labcorp
Classification: Uncertain significance for Ciliary dyskinesia, primary, 37; Spermatogenic failure 18. Last evaluated: 2021-05-19. Review status: criteria provided, single submitter. Criteria: Invitae Variant Classification Sherloc (09022015). Collection method: clinical testing. Allele origin: germline.
Comment: This sequence change falls in intron 29 of the DNAH1 gene. It does not directly change the encoded amino acid sequence of the DNAH1 protein. It affects a nucleotide within the consensus splice site of the intron. This variant is not present in population databases (ExAC no frequency). This variant has not been reported in the literature in individuals with DNAH1-related conditions. Nucleotide substitutions within the consensus splice site are a relatively common cause of aberrant splicing (PMID: 17576681, 9536098). Algorithms developed to predict the effect of sequence changes on RNA splicing suggest that this variant may disrupt the consensus splice site, but this prediction has not been confirmed by published transcriptional studies. In summary, the available evidence is currently insufficient to determine the role of this variant in disease. Therefore, it has been classified as a Variant of Uncertain Significance.

Literature cited by the submitters: PubMed 17576681; PubMed 9536098.

NM_015512.5(DNAH1):c.4874+5G>A

Gene: DNAH1 (dynein axonemal heavy chain 1; plus strand). Cytogenetic location: 3p21.1.
Variant type: single nucleotide variant.
Coding change: c.4874+5G>A on transcript NM_015512.5 (MANE Select); 5 bases into the intron after coding-DNA position 4874, G replaced by A.
Molecular consequence: intron variant.
Genome position (GRCh38, 1-based): chr3:52,361,357, G>A. VCF-style: chr3-52361357-G-A. GRCh37 (hg19) VCF-style: chr3-52395373-G-A.
Identifiers: ClinVar variation 1373280 (VCV001373280.3), dbSNP rs1282136699, ClinGen allele CA1364820918.